The following is an entry in ClinVar:

ClinVar aggregate classification (germline): Uncertain significance (1 of 4 stars; one submission).

Submission:

Labcorp Genetics (formerly Invitae), Labcorp
Classification: Uncertain significance. Last evaluated: 2024-10-29. Review status: criteria provided, single submitter. Criteria: Invitae Variant Classification Sherloc (09022015). Collection method: clinical testing. Allele origin: germline.
Comment: This sequence change replaces arginine, which is basic and polar, with tryptophan, which is neutral and slightly polar, at codon 135 of the RGS9BP protein (p.Arg135Trp). This variant is not present in population databases (gnomAD no frequency). This variant has not been reported in the literature in individuals affected with RGS9BP-related conditions. ClinVar contains an entry for this variant (Variation ID: 1359324). An algorithm developed to predict the effect of missense changes on protein structure and function (PolyPhen-2) suggests that this variant is likely to be disruptive. In summary, the available evidence is currently insufficient to determine the role of this variant in disease. Therefore, it has been classified as a Variant of Uncertain Significance.

NM_207391.3(RGS9BP):c.403C>T (p.Arg135Trp)

Gene: RGS9BP (regulator of G protein signaling 9 binding protein; plus strand). Cytogenetic location: 19q13.11.
Variant type: single nucleotide variant.
Coding change: c.403C>T on transcript NM_207391.3 (MANE Select); coding-DNA position 403, C replaced by T.
Protein change: p.Arg135Trp; replaces arginine 135 with tryptophan.
Molecular consequence: missense variant.
Genome position (GRCh38, 1-based): chr19:32,676,666, C>T. VCF-style: chr19-32676666-C-T. GRCh37 (hg19) VCF-style: chr19-33167572-C-T.
Other names: short protein forms R135W.
Identifiers: ClinVar variation 1359324 (VCV001359324.8), dbSNP rs2145339300, ClinGen allele CA405186676.